The following is an entry in ClinVar:

ClinVar aggregate classification (germline): Uncertain significance. Review status: criteria provided, multiple submitters, no conflicts (2 of 4 stars). 4 submissions from 4 submitters: Uncertain significance (4). Last evaluated 2025-06-19.

Conditions:
Hereditary nonpolyposis colorectal neoplasms. Identifiers: MedGen C0009405, MeSH D003123.
Lynch syndrome. Identifiers: Orphanet 144, MedGen C4552100, MONDO:0005835. Disease mechanism: loss of function.
Hereditary cancer-predisposing syndrome. Also called: Hereditary neoplastic syndrome; Tumor predisposition; Neoplastic Syndromes, Hereditary; Hereditary Cancer Syndrome. Identifiers: Orphanet 140162, MedGen C0027672, MeSH D009386, MONDO:0015356.

Submissions (4):

Labcorp Genetics (formerly Invitae), Labcorp
Classification: Uncertain significance for Hereditary nonpolyposis colorectal neoplasms. Last evaluated: 2025-06-19. Review status: criteria provided, single submitter. Criteria: Invitae Variant Classification Sherloc (09022015). Collection method: clinical testing. Allele origin: germline.
Comment: This sequence change replaces glutamine, which is neutral and polar, with histidine, which is basic and polar, at codon 288 of the PMS2 protein (p.Gln288His). This variant is not present in population databases (gnomAD no frequency). This variant has not been reported in the literature in individuals affected with PMS2-related conditions. ClinVar contains an entry for this variant (Variation ID: 655019). Invitae Evidence Modeling incorporating data from in vitro experimental studies (internal data) indicates that this missense variant is not expected to disrupt PMS2 function with a negative predictive value of 95%. In summary, the available evidence is currently insufficient to determine the role of this variant in disease. Therefore, it has been classified as a Variant of Uncertain Significance.

Ambry Genetics
Classification: Uncertain significance for Hereditary cancer-predisposing syndrome. Last evaluated: 2024-08-07. Review status: criteria provided, single submitter. Criteria: Ambry Variant Classification Scheme 2023. Collection method: clinical testing. Allele origin: germline.
Comment: The p.Q288H variant (also known as c.864G>T), located in coding exon 8 of the PMS2 gene, results from a G to T substitution at nucleotide position 864. The glutamine at codon 288 is replaced by histidine, an amino acid with highly similar properties. This amino acid position is highly conserved in available vertebrate species. In addition, this alteration is predicted to be deleterious by in silico analysis. Based on the available evidence, the clinical significance of this variant remains unclear.

Color Diagnostics, LLC DBA Color Health
Classification: Uncertain significance for Hereditary cancer-predisposing syndrome. Last evaluated: 2024-03-07. Review status: criteria provided, single submitter. Criteria: ACMG Guidelines, 2015. Collection method: clinical testing. Allele origin: germline.
Comment: This missense variant replaces glutamine with histidine at codon 288 of the PMS2 protein. Computational prediction suggests that this variant may have deleterious impact on protein structure and function (internally defined REVEL score threshold >= 0.7, PMID: 27666373). To our knowledge, functional studies have not been reported for this variant. This variant has not been reported in individuals affected with PMS2-related disorders in the literature. This variant has not been identified in the general population by the Genome Aggregation Database (gnomAD). The available evidence is insufficient to determine the role of this variant in disease conclusively. Therefore, this variant is classified as a Variant of Uncertain Significance.

All of Us Research Program, National Institutes of Health
Classification: Uncertain significance for Lynch syndrome. Last evaluated: 2023-09-17. Review status: criteria provided, single submitter. Criteria: ACMG Guidelines, 2015. Collection method: clinical testing. Allele origin: germline. Inheritance: Autosomal dominant inheritance. Observed: 4 variant alleles, 4 heterozygotes.
Comment: This missense variant replaces glutamine with histidine at codon 288 of the PMS2 protein. Computational prediction suggests that this variant may have deleterious impact on protein structure and function (internally defined REVEL score threshold >= 0.7, PMID: 27666373). Splice site prediction tools suggest that this variant may not impact RNA splicing. To our knowledge, functional studies have not been performed for this variant. This variant has not been reported in individuals affected with hereditary cancer in the literature. This variant has not been identified in the general population by the Genome Aggregation Database (gnomAD). The available evidence is insufficient to determine the role of this variant in disease conclusively. Therefore, this variant is classified as a Variant of Uncertain Significance.

This study involves interpretation of variants in research participants for the purpose of population health screening. Participant phenotype was not available at the time of variant classification. Additional details can be found in publication PMID: 35346344, PMCID: PMC8962531

NM_000535.7(PMS2):c.864G>T (p.Gln288His)

Gene: PMS2 (PMS1 homolog 2, mismatch repair system component; minus strand). Cytogenetic location: 7p22.1.
Variant type: single nucleotide variant.
Coding change: c.864G>T on transcript NM_000535.7 (MANE Select); coding-DNA position 864, G replaced by T.
Protein change: p.Gln288His; replaces glutamine 288 with histidine.
Molecular consequence: missense variant. On other transcripts: 5 prime UTR variant (2), non-coding transcript variant (1).
Genome position (GRCh38, 1-based): chr7:5,995,573, C>A on the plus strand (G>T on the coding strand, the complement: PMS2 is on the minus strand). VCF-style: chr7-5995573-C-A. GRCh37 (hg19) VCF-style: chr7-6035204-C-A.
Other names: c.459G>T, p.Gln153His (NM_001322003.2, NM_001322004.2, NM_001322005.2 and 2 more transcripts); c.864G>T, p.Gln288His (NM_001322006.2, NM_001322014.2); c.546G>T, p.Gln182His (NM_001322007.2, NM_001322008.2); c.-70G>T (NM_001322011.2, NM_001322012.2); c.291G>T, p.Gln97His (NM_001322013.2); c.555G>T, p.Gln185His (NM_001322015.2); short protein forms Q185H, Q97H, Q153H, Q182H, Q288H.
Identifiers: ClinVar variation 655019 (VCV000655019.17), dbSNP rs990212889, ClinGen allele CA153237841.